The following is an entry in ClinVar:

ClinVar aggregate classification (germline): Uncertain significance (1 of 4 stars; one submission).

Submission:

GeneDx
Classification: Uncertain significance. Last evaluated: 2026-02-12. Review status: criteria provided, single submitter. Criteria: GeneDx Variant Classification Process June 2021. Collection method: clinical testing. Allele origin: germline.
Comment: Not observed at significant frequency in large population cohorts (gnomAD); In silico analysis supports that this missense variant has a deleterious effect on protein structure/function; Has not been previously published as pathogenic or benign to our knowledge; In silico analysis is inconclusive as to whether the variant alters gene splicing. In the absence of RNA/functional studies, the actual effect of this sequence change is unknown.

NM_018206.6(VPS35):c.1826A>G (p.Gln609Arg)

Gene: VPS35 (VPS35 retromer complex component; minus strand). Cytogenetic location: 16q11.2.
Variant type: single nucleotide variant.
Coding change: c.1826A>G on transcript NM_018206.6 (MANE Select); coding-DNA position 1826, A replaced by G.
Protein change: p.Gln609Arg; replaces glutamine 609 with arginine.
Molecular consequence: missense variant.
Genome position (GRCh38, 1-based): chr16:46,662,984, T>C on the plus strand (A>G on the coding strand, the complement: VPS35 is on the minus strand). VCF-style: chr16-46662984-T-C. GRCh37 (hg19) VCF-style: chr16-46696896-T-C.
Other names: short protein forms Q609R.
Identifiers: ClinVar variation 4975142 (VCV004975142.1).
Genomic context (GRCh38, chr16:46,662,984, plus strand): 5'-AAACAAGCAACTGAACCCAGCAGAGCTGACATGACAACGCAGAAAGAACAGATCATCACC[T>C]GGGACATGAATTCATATGCGACTGTCTCATGATTTTCAAAACCAATTTCCCCAGCAGCTA-3'
Protein context (NP_060676.2, residues 599-619): HETVAYEFMS[Gln609Arg]AFSLYEDEIS